The following is an entry in ClinVar:

ClinVar aggregate classification (germline): Uncertain significance. Review status: criteria provided, multiple submitters, no conflicts (2 of 4 stars). 2 submissions from 2 submitters: Uncertain significance (2). Last evaluated 2025-10-14.

Conditions:
Inborn genetic diseases. Identifiers: MedGen C0950123, MeSH D030342.

Allele frequency attached by ClinVar (database versions not stated): gnomAD 0.00007; ESP Exome Variant Server 0.00008; gnomAD exomes 0.00011; 1000 Genomes Project 0.00020; 1000 Genomes Project 30x 0.00031.
gnomAD v4.1: 170 of 1,613,110 alleles (0.011%); highest among the groups gnomAD compares: East Asian, 0.013%; no homozygotes.

Submissions (2):

Labcorp Genetics (formerly Invitae), Labcorp
Classification: Uncertain significance. Last evaluated: 2025-10-14. Review status: criteria provided, single submitter. Criteria: Invitae Variant Classification Sherloc (09022015). Collection method: clinical testing. Allele origin: germline.
Comment: This sequence change replaces arginine, which is basic and polar, with glutamine, which is neutral and polar, at codon 355 of the PLVAP protein (p.Arg355Gln). This variant is present in population databases (rs141106508, gnomAD 0.09%). This variant has not been reported in the literature in individuals affected with PLVAP-related conditions. ClinVar contains an entry for this variant (Variation ID: 2059976). Invitae Evidence Modeling of protein sequence and biophysical properties (such as structural, functional, and spatial information, amino acid conservation, physicochemical variation, residue mobility, and thermodynamic stability) indicates that this missense variant is not expected to disrupt PLVAP protein function with a negative predictive value of 80%. In summary, the available evidence is currently insufficient to determine the role of this variant in disease. Therefore, it has been classified as a Variant of Uncertain Significance.

Ambry Genetics
Classification: Uncertain significance for Inborn genetic diseases. Last evaluated: 2025-07-03. Review status: criteria provided, single submitter. Criteria: Ambry Variant Classification Scheme 2023. Collection method: clinical testing. Allele origin: germline.

NM_031310.3(PLVAP):c.1064G>A (p.Arg355Gln)

Gene: PLVAP (plasmalemma vesicle associated protein; minus strand). Cytogenetic location: 19p13.11.
Variant type: single nucleotide variant.
Coding change: c.1064G>A on transcript NM_031310.3 (MANE Select); coding-DNA position 1064, G replaced by A.
Protein change: p.Arg355Gln; replaces arginine 355 with glutamine.
Molecular consequence: missense variant.
Genome position (GRCh38, 1-based): chr19:17,365,401, C>T on the plus strand (G>A on the coding strand, the complement: PLVAP is on the minus strand). VCF-style: chr19-17365401-C-T. GRCh37 (hg19) VCF-style: chr19-17476210-C-T.
Other names: c.1064G>A (NM_031310.1); short protein forms R355Q.
Identifiers: ClinVar variation 2059976 (VCV002059976.6), dbSNP rs141106508, ClinGen allele CA9293890.
Genomic context (GRCh38, chr19:17,365,401, plus strand): 5'-AGCTGCTCCGCCTCCCTCTTCTTCTCTTCCAGCTCCTTGGCCAGGTTGTCTCGTTCCTTC[C>T]GCAGCACCGCCTTCTCCTCCAGCGCTAGCTGGGTCTGCCGGGAGCATTCAGCTTGGAGCT-3'
Protein context (NP_112600.1, residues 345-365): QLALEEKAVL[Arg355Gln]KERDNLAKEL